The following is an entry in ClinVar:

NM_024675.4(PALB2):c.3052G>A (p.Glu1018Lys)

Gene: PALB2 (partner and localizer of BRCA2; minus strand). Cytogenetic location: 16p12.2.
Variant type: single nucleotide variant.
Coding change: c.3052G>A on transcript NM_024675.4 (MANE Select); coding-DNA position 3052, G replaced by A.
Protein change: p.Glu1018Lys; replaces glutamic acid 1018 with lysine.
Molecular consequence: missense variant.
Genome position (GRCh38, 1-based): chr16:23,621,423, C>T on the plus strand (G>A on the coding strand, the complement: PALB2 is on the minus strand). VCF-style: chr16-23621423-C-T. GRCh37 (hg19) VCF-style: chr16-23632744-C-T.
Other names: short protein forms E1018K.
Identifiers: ClinVar variation 921437 (VCV000921437.4), dbSNP rs1966770468, ClinGen allele CA395143028.

ClinVar aggregate classification (germline): Uncertain significance (1 of 4 stars; one submission).

Conditions:
Hereditary cancer-predisposing syndrome. Also called: Neoplastic Syndromes, Hereditary; Tumor predisposition; Hereditary Cancer Syndrome; Hereditary neoplastic syndrome. Identifiers: Orphanet 140162, MedGen C0027672, MeSH D009386, MONDO:0015356.

Submission:

Color Diagnostics, LLC DBA Color Health
Classification: Uncertain significance for Hereditary cancer-predisposing syndrome. Last evaluated: 2023-12-04. Review status: criteria provided, single submitter. Criteria: ACMG Guidelines, 2015. Collection method: clinical testing. Allele origin: germline.
Comment: This missense variant replaces glutamic acid with lysine at codon 1018 of the PALB2 protein. Computational prediction suggests that this variant may not impact protein structure and function (internally defined REVEL score threshold <= 0.5, PMID: 27666373). To our knowledge, functional studies have not been reported for this variant. This variant has not been reported in individuals affected with PALB2-related disorders in the literature. This variant has not been identified in the general population by the Genome Aggregation Database (gnomAD). The available evidence is insufficient to determine the role of this variant in disease conclusively. Therefore, this variant is classified as a Variant of Uncertain Significance.